The following is an entry in ClinVar:

ClinVar aggregate classification (germline): Benign. Review status: criteria provided, multiple submitters, no conflicts (2 of 4 stars). 3 submissions from 3 submitters: Benign (3). Last evaluated 2021-06-10.

Conditions:
Autosomal recessive limb-girdle muscular dystrophy type 2D (LGMDR3). Also called: MUSCULAR DYSTROPHY, LIMB-GIRDLE, AUTOSOMAL RECESSIVE 3; DUCHENNE-LIKE AUTOSOMAL RECESSIVE MUSCULAR DYSTROPHY, TYPE 2; ADHALINOPATHY, PRIMARY. Identifiers: Orphanet 62, MedGen C2936332, MONDO:0011968, OMIM 608099. Disease mechanism: Affects gamma-sarcoglycan and also disrupts the integrity of the entire sarcoglycan complex..

Allele frequency attached by ClinVar (database versions not stated): 1000 Genomes Project 30x 0.98860; 1000 Genomes Project 0.98862; ESP Exome Variant Server 0.98883; TOPMed 0.98963; gnomAD 0.99075 and 0.99130; ExAC 0.99739; gnomAD exomes 0.99763 and 0.99908.

Submissions (3):

Genome-Nilou Lab
Classification: Benign for Autosomal recessive limb-girdle muscular dystrophy type 2D. Last evaluated: 2021-06-10. Review status: criteria provided, single submitter. Criteria: ACMG Guidelines, 2015. Collection method: clinical testing. Allele origin: germline. Affected: no.

GeneDx
Classification: Benign. Last evaluated: 2018-06-14. Review status: criteria provided, single submitter. Criteria: GeneDx Variant Classification (06012015). Collection method: clinical testing. Allele origin: germline. Affected: yes.
Comment: This variant is considered likely benign or benign based on one or more of the following criteria: it is a conservative change, it occurs at a poorly conserved position in the protein, it is predicted to be benign by multiple in silico algorithms, and/or has population frequency not consistent with disease.

Breakthrough Genomics
Classification: Benign. Review status: criteria provided, single submitter. Criteria: ACMG Guidelines, 2015. Collection method: not provided. Allele origin: germline. Inheritance: Autosomal recessive inheritance. Affected: yes.

NM_000023.4(SGCA):c.37+66C>T

Gene: SGCA (sarcoglycan alpha; plus strand). Cytogenetic location: 17q21.33.
Variant type: single nucleotide variant.
Coding change: c.37+66C>T on transcript NM_000023.4 (MANE Select); 66 bases into the intron after coding-DNA position 37, C replaced by T.
Molecular consequence: intron variant.
Genome position (GRCh38, 1-based): chr17:50,166,143, C>T. VCF-style: chr17-50166143-C-T. GRCh37 (hg19) VCF-style: chr17-48243504-C-T.
Other names: c.37+66C>T (NM_001135697.3).
Identifiers: ClinVar variation 669838 (VCV000669838.5), dbSNP rs9911548, ClinGen allele CA8643663.